The following is an entry in ClinVar:

NM_153747.2(PIGC):c.267T>C (p.Gly89=)

Genes: PIGC (phosphatidylinositol glycan anchor biosynthesis class C; minus strand), C1orf105 (chromosome 1 open reading frame 105; plus strand). Cytogenetic location: 1q24.3.
Variant type: single nucleotide variant.
Coding change: c.267T>C on transcript NM_153747.2 (MANE Select); coding-DNA position 267, T replaced by C.
Protein change: p.Gly89=; no amino-acid change (glycine 89 retained).
Molecular consequence: synonymous variant. On other transcripts: intron variant (1).
Genome position (GRCh38, 1-based): chr1:172,442,356, A>G on the plus strand (T>C on the coding strand, the complement: PIGC is on the minus strand). VCF-style: chr1-172442356-A-G. GRCh37 (hg19) VCF-style: chr1-172411496-A-G.
Other names: c.267T>C, p.Gly89= (NM_002642.4); c.22-2717A>G (NM_139240.4).
Identifiers: ClinVar variation 595495 (VCV000595495.18), dbSNP rs2230471, ClinGen allele CA1245996.

ClinVar aggregate classification (germline): Benign. Review status: criteria provided, multiple submitters, no conflicts (2 of 4 stars). 6 submissions from 6 submitters: Benign (5). 1 of the submissions does not count toward it. Last evaluated 2026-02-03.

Conditions:
PIGC-related disorder. Also called: PIGC-related condition.
Glycosylphosphatidylinositol biosynthesis defect 16. Also called: MENTAL RETARDATION, AUTOSOMAL RECESSIVE 62. Identifiers: MedGen C4540521, MONDO:0040500, OMIM 617816.

Allele frequency attached by ClinVar (database versions not stated): TOPMed 0.87710; gnomAD exomes 0.84549 and 0.87393; 1000 Genomes Project 0.92412; ExAC 0.87470; ESP Exome Variant Server 0.85376; gnomAD 0.85989 and 0.86428; 1000 Genomes Project 30x 0.92239.
gnomAD v4.1: 1,367,867 of 1,612,940 alleles (85%); highest among the groups gnomAD compares: East Asian, 100%; 582,100 homozygotes.

Submissions (6):

Labcorp Genetics (formerly Invitae), Labcorp
Classification: Benign. Last evaluated: 2026-02-03. Review status: criteria provided, single submitter. Criteria: Invitae Variant Classification Sherloc (09022015). Collection method: clinical testing. Allele origin: germline.

Genome-Nilou Lab
Classification: Benign for Glycosylphosphatidylinositol biosynthesis defect 16. Last evaluated: 2021-09-05. Review status: criteria provided, single submitter. Criteria: ACMG Guidelines, 2015. Collection method: clinical testing. Allele origin: germline. Affected: no.

GeneDx
Classification: Benign. Last evaluated: 2020-10-04. Review status: criteria provided, single submitter. Criteria: GeneDx Variant Classification Process June 2021. Collection method: clinical testing. Allele origin: germline. Affected: yes.

Eurofins Ntd Llc (ga)
Classification: Benign. Last evaluated: 2017-12-21. Review status: criteria provided, single submitter. Criteria: EGL Classification Definitions 2015. Collection method: clinical testing. Allele origin: germline. Observed: 1 variant allele, 1 heterozygote.

Breakthrough Genomics
Classification: Benign. Review status: criteria provided, single submitter. Criteria: ACMG Guidelines, 2015. Collection method: not provided. Allele origin: germline. Inheritance: Autosomal recessive inheritance. Affected: yes.

PreventionGenetics, part of Exact Sciences
Classification: Benign for PIGC-related condition. Last evaluated: 2019-09-24. Review status: no assertion criteria provided. Collection method: clinical testing. Allele origin: germline. Not counted in ClinVar's aggregate classification.
Comment: This variant is classified as benign based on ACMG/AMP sequence variant interpretation guidelines (Richards et al. 2015 PMID: 25741868, with internal and published modifications).